The following is an entry in ClinVar:

NM_000038.6(APC):c.1569dup (p.Gly524fs)

Gene: APC (APC regulator of Wnt signaling pathway; plus strand). Cytogenetic location: 5q22.2.
Variant type: Duplication.
Coding change: c.1569dup on transcript NM_000038.6 (MANE Select); coding-DNA position 1569, one base duplicated (A; older notation c.1569dupA).
Protein change: p.Gly524fs; shifts the reading frame from glycine 524.
Molecular consequence: frameshift variant.
Genome position (GRCh38, 1-based): chr5:112,827,949, A duplicated; the last of 3 consecutive A bases (chr5:112,827,947-112,827,949); duplicating any one gives the same sequence. VCF-style (leftmost placement, unchanged base first): chr5-112827946-G-GA. GRCh37 (hg19) VCF-style: chr5-112163643-G-GA.
Other names: c.1623dup, p.Gly542fs (NM_001354896.2, NM_001407447.1, NM_001407448.1 and 1 more transcripts); c.1599dup, p.Gly534fs (NM_001354897.2); c.1494dup, p.Gly499fs (NM_001354898.2); c.1485dup, p.Gly496fs (NM_001354899.2); c.1446dup, p.Gly483fs (NM_001354900.2); c.1392dup, p.Gly465fs (NM_001354901.2, NM_001407453.1); c.1296dup, p.Gly433fs (NM_001354902.2); c.1266dup, p.Gly423fs (NM_001354903.2, NM_001407458.1, NM_001407459.1 and 1 more transcripts); and 11 more; short protein forms G398fs, G433fs, G465fs, G517fs, G552fs, G496fs, G499fs, G506fs.
Identifiers: ClinVar variation 4121439 (VCV004121439.1).
Genomic context (GRCh38, chr5:112,827,946, plus strand): 5'-AGTTGTCTTTTTAATGATCCTCTATTCTGTATTTAATTTACAGGCTACGCTATGCTCTAT[G>GA]AAAGGCTGCATGAGAGCACTTGTGGCCCAACTAAAATCTGAAAGTGAAGACTTACAGCAG-3'

ClinVar aggregate classification (germline): Pathogenic (1 of 4 stars; one submission).

Conditions:
Hereditary cancer-predisposing syndrome. Also called: Hereditary neoplastic syndrome; Neoplastic Syndromes, Hereditary; Tumor predisposition; Hereditary Cancer Syndrome. Identifiers: Orphanet 140162, MedGen C0027672, MeSH D009386, MONDO:0015356.

Submission:

Ambry Genetics
Classification: Pathogenic for Hereditary cancer-predisposing syndrome. Last evaluated: 2025-08-21. Review status: criteria provided, single submitter. Criteria: Ambry Variant Classification Scheme 2023. Collection method: clinical testing. Allele origin: germline.
Comment: The c.1569dupA pathogenic mutation, located in coding exon 12 of the APC gene, results from a duplication of A at nucleotide position 1569, causing a translational frameshift with a predicted alternate stop codon (p.G524Rfs*13). This variant was reported in individual(s) with features consistent with APC-related familial adenomatous polyposis (Ambry internal data). This variant is considered to be rare based on population cohorts in the Genome Aggregation Database (gnomAD). This alteration is expected to result in loss of function by premature protein truncation or nonsense-mediated mRNA decay. As such, this alteration is interpreted as a disease-causing mutation.